The following is an entry in ClinVar:

ClinVar aggregate classification (germline): Uncertain significance (1 of 4 stars; one submission).

Conditions:
Gastrointestinal stromal tumor. Also called: Gastrointestinal stromal tumor, somatic; Gastrointestinal stroma tumor. Identifiers: Orphanet 44890, MedGen C0238198, MeSH D046152, MONDO:0011719, OMIM 606764, HP:0100723.

Submission:

Labcorp Genetics (formerly Invitae), Labcorp
Classification: Uncertain significance for Gastrointestinal stromal tumor. Last evaluated: 2016-04-13. Review status: criteria provided, single submitter. Criteria: Invitae Variant Classification Sherloc (09022015). Collection method: clinical testing. Allele origin: germline.
Comment: Algorithms developed to predict the effect of missense changes on protein structure and function (SIFT, PolyPhen-2, Align-GVGD) all suggest that this variant is likely to be disruptive, but these predictions have not been confirmed by published functional studies. In summary, this variant is a novel missense change with uncertain impact on protein function. It has been classified as a Variant of Uncertain Significance. This variant is not present in population databases (ExAC no frequency) and has not been reported in the literature in individuals with a PDGFRA-related disease. This sequence change replaces arginine with isoleucine at codon 585 of the PDGFRA protein (p.Arg585Ile). The arginine residue is highly conserved and there is a moderate physicochemical difference between arginine and isoleucine.

NM_006206.6(PDGFRA):c.1754G>T (p.Arg585Ile)

Gene: PDGFRA (platelet derived growth factor receptor alpha; plus strand). Cytogenetic location: 4q12.
Variant type: single nucleotide variant.
Coding change: c.1754G>T on transcript NM_006206.6 (MANE Select); coding-DNA position 1754, G replaced by T.
Protein change: p.Arg585Ile; replaces arginine 585 with isoleucine.
Molecular consequence: missense variant.
Genome position (GRCh38, 1-based): chr4:54,274,941, G>T. VCF-style: chr4-54274941-G-T. GRCh37 (hg19) VCF-style: chr4-55141108-G-T.
Other names: c.1754G>T, p.Arg585Ile (NM_001347827.2, NM_001347829.2); c.1829G>T, p.Arg610Ile (NM_001347828.2); c.1793G>T, p.Arg598Ile (NM_001347830.2); short protein forms R585I, R610I, R598I.
Identifiers: ClinVar variation 407392 (VCV000407392.9), dbSNP rs1060501505, ClinGen allele CA16611645.